The following is an entry in ClinVar:

ClinVar aggregate classification (germline): Conflicting classifications of pathogenicity. Review status: criteria provided, conflicting classifications (1 of 4 stars). 7 submissions from 7 submitters: Uncertain significance (6); Likely benign (1). Last evaluated 2025-01-07.

Conditions:
Hereditary nonpolyposis colorectal neoplasms. Identifiers: MedGen C0009405, MeSH D003123.
Hereditary cancer-predisposing syndrome. Also called: Neoplastic Syndromes, Hereditary; Hereditary Cancer Syndrome; Hereditary neoplastic syndrome; Tumor predisposition. Identifiers: Orphanet 140162, MedGen C0027672, MeSH D009386, MONDO:0015356.
Lynch syndrome. Identifiers: Orphanet 144, MedGen C4552100, MONDO:0005835. Disease mechanism: loss of function.

Allele frequency attached by ClinVar (database versions not stated): TOPMed below 0.00001.

Submissions (7):

GeneDx
Classification: Uncertain significance. Last evaluated: 2025-01-07. Review status: criteria provided, single submitter. Criteria: GeneDx Variant Classification Process June 2021. Collection method: clinical testing. Allele origin: germline. Affected: yes.
Comment: Not observed at significant frequency in large population cohorts (gnomAD); In silico analysis indicates that this missense variant does not alter protein structure/function; Has not been previously published as pathogenic or benign to our knowledge; This variant is associated with the following publications: (PMID: 11574484)

Labcorp Genetics (formerly Invitae), Labcorp
Classification: Uncertain significance for Hereditary nonpolyposis colorectal neoplasms. Last evaluated: 2024-11-19. Review status: criteria provided, single submitter. Criteria: Invitae Variant Classification Sherloc (09022015). Collection method: clinical testing. Allele origin: germline.
Comment: This sequence change replaces glycine, which is neutral and non-polar, with serine, which is neutral and polar, at codon 218 of the PMS2 protein (p.Gly218Ser). This variant is not present in population databases (gnomAD no frequency). This variant has not been reported in the literature in individuals affected with PMS2-related conditions. ClinVar contains an entry for this variant (Variation ID: 455732). Invitae Evidence Modeling incorporating data from in vitro experimental studies (internal data) indicates that this missense variant is not expected to disrupt PMS2 function with a negative predictive value of 95%. In summary, the available evidence is currently insufficient to determine the role of this variant in disease. Therefore, it has been classified as a Variant of Uncertain Significance.

Color Diagnostics, LLC DBA Color Health
Classification: Uncertain significance for Hereditary cancer-predisposing syndrome. Last evaluated: 2024-03-06. Review status: criteria provided, single submitter. Criteria: ACMG Guidelines, 2015. Collection method: clinical testing. Allele origin: germline.
Comment: This missense variant replaces glycine with serine at codon 218 of the PMS2 protein. Computational prediction suggests that this variant may not impact protein structure and function (internally defined REVEL score threshold <= 0.5, PMID: 27666373). To our knowledge, functional studies have not been reported for this variant. This variant has not been reported in individuals affected with PMS2-related disorders in the literature. This variant has not been identified in the general population by the Genome Aggregation Database (gnomAD). The available evidence is insufficient to determine the role of this variant in disease conclusively. Therefore, this variant is classified as a Variant of Uncertain Significance.

All of Us Research Program, National Institutes of Health
Classification: Uncertain significance for Lynch syndrome. Last evaluated: 2024-02-05. Review status: criteria provided, single submitter. Criteria: ACMG Guidelines, 2015. Collection method: clinical testing. Allele origin: germline. Inheritance: Autosomal dominant inheritance. Observed: 2 variant alleles, 2 heterozygotes.
Comment: This missense variant replaces glycine with serine at codon 218 of the PMS2 protein. Computational prediction is inconclusive regarding the impact of this variant on protein structure and function (internally defined REVEL score threshold 0.5 < inconclusive < 0.7, PMID: 27666373). To our knowledge, functional studies have not been reported for this variant. This variant has not been reported in individuals affected with hereditary cancer in the literature. This variant has not been identified in the general population by the Genome Aggregation Database (gnomAD). The available evidence is insufficient to determine the role of this variant in disease conclusively. Therefore, this variant is classified as a Variant of Uncertain Significance.

This study involves interpretation of variants in research participants for the purpose of population health screening. Participant phenotype was not available at the time of variant classification. Additional details can be found in publication PMID: 35346344, PMCID: PMC8962531

Blueprint Genetics
Classification: Uncertain significance. Last evaluated: 2021-09-06. Review status: criteria provided, single submitter. Criteria: ACMG Guidelines, 2015. Collection method: clinical testing. Allele origin: germline.

Women's Health and Genetics/Laboratory Corporation of America, LabCorp
Classification: Uncertain significance. Last evaluated: 2021-01-27. Review status: criteria provided, single submitter. Criteria: LabCorp Variant Classification Summary - May 2015. Collection method: clinical testing. Allele origin: germline.
Comment: Variant summary: PMS2 c.652G>A (p.Gly218Ser) results in a non-conservative amino acid change in the encoded protein sequence. Four of five in-silico tools predict a benign effect of the variant on protein function. The variant was absent in 251490 control chromosomes (gnomAD). The available data on variant occurrences in the general population are insufficient to allow any conclusion about variant significance. To our knowledge, no occurrence of c.652G>A in individuals affected with Lynch Syndrome and no experimental evidence demonstrating its impact on protein function have been reported. Three clinical diagnostic laboratories have submitted clinical-significance assessments for this variant to ClinVar after 2014 without evidence for independent evaluation, and classified the variant as likely benign (1x) or VUS (2x). Based on the evidence outlined above, the variant was classified as uncertain significance.

Ambry Genetics
Classification: Likely benign for Hereditary cancer-predisposing syndrome. Last evaluated: 2019-04-04. Review status: criteria provided, single submitter. Criteria: Ambry Variant Classification Scheme 2023. Collection method: clinical testing. Allele origin: germline.

NM_000535.7(PMS2):c.652G>A (p.Gly218Ser)

Gene: PMS2 (PMS1 homolog 2, mismatch repair system component; minus strand). Cytogenetic location: 7p22.1.
Variant type: single nucleotide variant.
Coding change: c.652G>A on transcript NM_000535.7 (MANE Select); coding-DNA position 652, G replaced by A.
Protein change: p.Gly218Ser; replaces glycine 218 with serine.
Molecular consequence: missense variant. On other transcripts: 5 prime UTR variant (2), non-coding transcript variant (1), intron variant (1).
Genome position (GRCh38, 1-based): chr7:5,999,161, C>T on the plus strand (G>A on the coding strand, the complement: PMS2 is on the minus strand). VCF-style: chr7-5999161-C-T. GRCh37 (hg19) VCF-style: chr7-6038792-C-T.
Other names: c.247G>A, p.Gly83Ser (NM_001322003.2, NM_001322004.2, NM_001322005.2 and 2 more transcripts); c.652G>A, p.Gly218Ser (NM_001322006.2, NM_001322014.2); c.334G>A, p.Gly112Ser (NM_001322007.2, NM_001322008.2); c.-282G>A (NM_001322011.2, NM_001322012.2); c.343G>A, p.Gly115Ser (NM_001322015.2); c.133-1738G>A (NM_001322013.2); short protein forms G218S, G112S, G83S, G115S.
Identifiers: ClinVar variation 455732 (VCV000455732.23), dbSNP rs878854055, ClinGen allele CA366743913.